The following is an entry in ClinVar:

NM_015512.5(DNAH1):c.2576A>G (p.Asn859Ser)

Gene: DNAH1 (dynein axonemal heavy chain 1; plus strand). Cytogenetic location: 3p21.1.
Variant type: single nucleotide variant.
Coding change: c.2576A>G on transcript NM_015512.5 (MANE Select); coding-DNA position 2576, A replaced by G.
Protein change: p.Asn859Ser; replaces asparagine 859 with serine.
Molecular consequence: missense variant.
Genome position (GRCh38, 1-based): chr3:52,350,038, A>G. VCF-style: chr3-52350038-A-G. GRCh37 (hg19) VCF-style: chr3-52384054-A-G.
Other names: short protein forms N859S.
Identifiers: ClinVar variation 478431 (VCV000478431.12), dbSNP rs200428788, ClinGen allele CA2433305.

ClinVar aggregate classification (germline): Uncertain significance. Review status: criteria provided, multiple submitters, no conflicts (2 of 4 stars). 5 submissions from 5 submitters: Uncertain significance (5). Last evaluated 2026-05-11.

Conditions:
Spermatogenic failure 18. Identifiers: MedGen C4539783, MONDO:0054615, OMIM 617576.
Ciliary dyskinesia, primary, 37 (CILD37). Also called: CILIARY DYSKINESIA, PRIMARY, 37, WITH OR WITHOUT SITUS INVERSUS. Identifiers: MedGen C4539798, MONDO:0033204, OMIM 617577.
DNAH1-related disorder. Also called: DNAH1-related condition.

Allele frequency attached by ClinVar (database versions not stated): gnomAD 0.00031; TOPMed 0.00034; gnomAD exomes 0.00035 and 0.00063; ESP Exome Variant Server 0.00047; ExAC 0.00050.
gnomAD v4.1: 945 of 1,613,288 alleles (0.059%); highest among the groups gnomAD compares: Non-Finnish European, 0.076%; no homozygotes.

Submissions (5):

PreventionGenetics, part of Exact Sciences
Classification: Uncertain significance for DNAH1-related condition. Last evaluated: 2026-05-11. Review status: criteria provided, single submitter. Criteria: ACMG Guidelines, 2015. Collection method: clinical testing. Allele origin: germline.
Comment: The DNAH1 c.2576A>G variant is predicted to result in the amino acid substitution p.Asn859Ser. To our knowledge, this variant has not been reported in the literature. This variant is reported in 0.070% of alleles in individuals of European (Non-Finnish) descent in gnomAD. Although we suspect that this variant may be benign, at this time, the clinical significance is uncertain due to the absence of conclusive functional and genetic evidence.

Ambry Genetics
Classification: Uncertain significance. Last evaluated: 2024-11-13. Review status: criteria provided, single submitter. Criteria: Ambry Variant Classification Scheme 2023. Collection method: clinical testing. Allele origin: germline.

Blueprint Genetics
Classification: Uncertain significance. Last evaluated: 2024-11-07. Review status: criteria provided, single submitter. Criteria: ACMG Guidelines, 2015. Collection method: clinical testing. Allele origin: germline.

Labcorp Genetics (formerly Invitae), Labcorp
Classification: Uncertain significance for Ciliary dyskinesia, primary, 37; Spermatogenic failure 18. Last evaluated: 2024-01-11. Review status: criteria provided, single submitter. Criteria: Invitae Variant Classification Sherloc (09022015). Collection method: clinical testing. Allele origin: germline.
Comment: This sequence change replaces asparagine, which is neutral and polar, with serine, which is neutral and polar, at codon 859 of the DNAH1 protein (p.Asn859Ser). This variant is present in population databases (rs200428788, gnomAD 0.07%). This variant has not been reported in the literature in individuals affected with DNAH1-related conditions. ClinVar contains an entry for this variant (Variation ID: 478431). Advanced modeling of protein sequence and biophysical properties (such as structural, functional, and spatial information, amino acid conservation, physicochemical variation, residue mobility, and thermodynamic stability) performed at Invitae indicates that this missense variant is not expected to disrupt DNAH1 protein function with a negative predictive value of 80%. In summary, the available evidence is currently insufficient to determine the role of this variant in disease. Therefore, it has been classified as a Variant of Uncertain Significance.

Breakthrough Genomics
Classification: Uncertain significance. Review status: criteria provided, single submitter. Criteria: ACMG Guidelines, 2015. Collection method: not provided. Allele origin: germline. Inheritance: Autosomal recessive inheritance. Affected: yes.